The following is an entry in ClinVar:

NM_033004.4(NLRP1):c.1732G>A (p.Gly578Ser)

Gene: NLRP1 (NLR family pyrin domain containing 1; minus strand). Cytogenetic location: 17p13.2.
Variant type: single nucleotide variant.
Coding change: c.1732G>A on transcript NM_033004.4 (MANE Select); coding-DNA position 1732, G replaced by A.
Protein change: p.Gly578Ser; replaces glycine 578 with serine.
Molecular consequence: missense variant.
Genome position (GRCh38, 1-based): chr17:5,558,964, C>T on the plus strand (G>A on the coding strand, the complement: NLRP1 is on the minus strand). VCF-style: chr17-5558964-C-T. GRCh37 (hg19) VCF-style: chr17-5462284-C-T.
Other names: c.1732G>A, p.Gly578Ser (NM_001033053.3, NM_014922.5, NM_033006.4 and 1 more transcripts); short protein forms G578S.
Identifiers: ClinVar variation 452721 (VCV000452721.25), dbSNP rs115799546, ClinGen allele CA8327332.

ClinVar aggregate classification (germline): Conflicting classifications of pathogenicity. Review status: criteria provided, conflicting classifications (1 of 4 stars). 6 submissions from 6 submitters: Uncertain significance (1); Likely benign (4). 1 of the submissions does not count toward it. Last evaluated 2026-01-28.

Conditions:
NLRP1-related disorder. Also called: NLRP1-related condition.

Allele frequency attached by ClinVar (database versions not stated): gnomAD exomes 0.00016 and 0.00031; ESP Exome Variant Server 0.00123; gnomAD 0.00126; 1000 Genomes Project 0.00160; TOPMed 0.00165; 1000 Genomes Project 30x 0.00187.
gnomAD v4.1: 413 of 1,614,066 alleles (0.026%); highest among the groups gnomAD compares: African/African-American, 0.49%; 2 homozygotes.

Submissions (6):

Women's Health and Genetics/Laboratory Corporation of America, LabCorp
Classification: Likely benign. Last evaluated: 2026-01-28. Review status: criteria provided, single submitter. Criteria: LabCorp Variant Classification Summary - May 2015. Collection method: clinical testing. Allele origin: germline.
Comment: Variant summary: NLRP1 c.1732G>A (p.Gly578Ser) results in a non-conservative amino acid change in the encoded protein sequence. Algorithms developed to predict the effect of missense changes on protein structure and function are either unavailable or do not agree on the potential impact of this missense change. The variant allele was found at a frequency of 0.00031 in 251464 control chromosomes, predominantly at a frequency of 0.0044 within the African or African-American subpopulation in the gnomAD database, including 1 homozygotes. The observed variant frequency within African or African-American control individuals in the gnomAD database exceeds the estimated maximal expected allele frequency for disease-causing variants in NLRP1. To our knowledge, no occurrence of c.1732G>A in individuals affected with NLRP1-related conditions and no experimental evidence demonstrating its impact on protein function have been reported. ClinVar contains an entry for this variant (Variation ID: 452721). Based on the evidence outlined above, the variant was classified as likely benign.

Labcorp Genetics (formerly Invitae), Labcorp
Classification: Likely benign. Last evaluated: 2026-01-17. Review status: criteria provided, single submitter. Criteria: Invitae Variant Classification Sherloc (09022015). Collection method: clinical testing. Allele origin: germline.

CeGaT Center for Human Genetics Tuebingen
Classification: Likely benign. Last evaluated: 2025-05-01. Review status: criteria provided, single submitter. Criteria: CeGaT Center For Human Genetics Tuebingen Variant Classification Criteria Version 2. Collection method: clinical testing. Allele origin: germline. Affected: yes. Observed: 1 variant allele.
Comment: NLRP1: BP4, BS1:Supporting

Blueprint Genetics
Classification: Likely benign. Last evaluated: 2024-10-23. Review status: criteria provided, single submitter. Criteria: ACMG Guidelines, 2015. Collection method: clinical testing. Allele origin: germline.

GeneDx
Classification: Uncertain significance. Last evaluated: 2017-10-10. Review status: criteria provided, single submitter. Criteria: GeneDx Variant Classification (06012015). Collection method: clinical testing. Allele origin: germline. Affected: yes.
Comment: The G578S variant in the NLRP1 gene has been reported previously in the homozygous state in 2 siblings with multiple sclerosis and malignant melanoma (Maver et al., 2017). The G578S variant is observed in 112/24000 (0.47%) alleles from individuals of African background, including 1 homozygous individual in the ExAC dataset (Lek et al., 2016). The G578S variant is a non-conservative amino acid substitution, which is likely to impact secondary protein structure as these residues differ in polarity, charge, size and/or other properties. This substitution occurs at a position that is not conserved. In silico analysis is inconsistent in its predictions as to whether or not the variant is damaging to the protein structure/function. We interpret G578S as a variant of uncertain significance.

PreventionGenetics, part of Exact Sciences
Classification: Likely benign for NLRP1-related condition. Last evaluated: 2024-08-14. Review status: no assertion criteria provided. Collection method: clinical testing. Allele origin: germline. Not counted in ClinVar's aggregate classification.
Comment: This variant is classified as likely benign based on ACMG/AMP sequence variant interpretation guidelines (Richards et al. 2015 PMID: 25741868, with internal and published modifications).